The following is an entry in ClinVar:

NM_001378964.1(CDON):c.283T>C (p.Tyr95His)

Gene: CDON (cell adhesion associated, oncogene regulated; minus strand). Cytogenetic location: 11q24.2.
Variant type: single nucleotide variant.
Coding change: c.283T>C on transcript NM_001378964.1 (MANE Select); coding-DNA position 283, T replaced by C.
Protein change: p.Tyr95His; replaces tyrosine 95 with histidine.
Molecular consequence: missense variant.
Genome position (GRCh38, 1-based): chr11:126,021,314, A>G on the plus strand (T>C on the coding strand, the complement: CDON is on the minus strand). VCF-style: chr11-126021314-A-G. GRCh37 (hg19) VCF-style: chr11-125891209-A-G.
Other names: c.283T>C, p.Tyr95His (NM_001243597.3, NM_016952.6); short protein forms Y95H.
Identifiers: ClinVar variation 3769693 (VCV003769693.1).

ClinVar aggregate classification (germline): Uncertain significance (1 of 4 stars; one submission).

Submission:

GeneDx
Classification: Uncertain significance. Last evaluated: 2024-09-12. Review status: criteria provided, single submitter. Criteria: GeneDx Variant Classification Process June 2021. Collection method: clinical testing. Allele origin: germline. Affected: yes.
Comment: Not observed at significant frequency in large population cohorts (gnomAD); In silico analysis supports that this missense variant has a deleterious effect on protein structure/function; Has not been previously published as pathogenic or benign to our knowledge